The following is an entry in ClinVar:

ClinVar aggregate classification (germline): Uncertain significance (1 of 4 stars; one submission).

gnomAD v4.1: 20 of 1,614,154 alleles (0.0012%); highest among the groups gnomAD compares: Non-Finnish European, 0.0016%; no homozygotes.

Submission:

Labcorp Genetics (formerly Invitae), Labcorp
Classification: Uncertain significance. Last evaluated: 2025-04-14. Review status: criteria provided, single submitter. Criteria: Invitae Variant Classification Sherloc (09022015). Collection method: clinical testing. Allele origin: germline.
Comment: This sequence change replaces threonine, which is neutral and polar, with alanine, which is neutral and non-polar, at codon 345 of the TNFRSF11A protein (p.Thr345Ala). This variant is present in population databases (no rsID available, gnomAD no frequency). This variant has not been reported in the literature in individuals affected with TNFRSF11A-related conditions. An algorithm developed to predict the effect of missense changes on protein structure and function (PolyPhen-2) suggests that this variant is likely to be tolerated. In summary, the available evidence is currently insufficient to determine the role of this variant in disease. Therefore, it has been classified as a Variant of Uncertain Significance.

NM_003839.4(TNFRSF11A):c.1033A>G (p.Thr345Ala)

Gene: TNFRSF11A (TNF receptor superfamily member 11a; plus strand). Cytogenetic location: 18q21.33.
Variant type: single nucleotide variant.
Coding change: c.1033A>G on transcript NM_003839.4 (MANE Select); coding-DNA position 1033, A replaced by G.
Protein change: p.Thr345Ala; replaces threonine 345 with alanine.
Molecular consequence: missense variant. On other transcripts: intron variant (3).
Genome position (GRCh38, 1-based): chr18:62,368,950, A>G. VCF-style: chr18-62368950-A-G. GRCh37 (hg19) VCF-style: chr18-60036183-A-G.
Other names: c.991A>G, p.Thr331Ala (NM_001278268.2); c.783+2190A>G (NM_001270949.2); c.730+7157A>G (NM_001270950.2); c.616+8901A>G (NM_001270951.2); short protein forms T331A, T345A.
Identifiers: ClinVar variation 4743279 (VCV004743279.1).